The following is an entry in ClinVar:

NC_000022.10:g.(?_36863851)_(36876884_?)dup

Gene: TXN2 (thioredoxin 2; minus strand). Cytogenetic location: 22q12.3.
Variant type: Duplication.
Identifiers: ClinVar variation 3248116 (VCV003248116.1).

ClinVar aggregate classification (germline): Uncertain significance (1 of 4 stars; one submission).

Submission:

Labcorp Genetics (formerly Invitae), Labcorp
Classification: Uncertain significance. Last evaluated: 2024-01-22. Review status: criteria provided, single submitter. Criteria: Invitae Variant Classification Sherloc (09022015). Collection method: clinical testing. Allele origin: unknown.
Comment: A copy number gain of the genomic region encompassing the full coding sequence of the TXN2 gene has been identified. The boundaries of this event are unknown as they extend beyond the assayed region for this gene and therefore may encompass additional genes. As the precise location of this event is unknown, it may be in tandem or it may be located elsewhere in the genome. This variant has not been reported in the literature in individuals affected with TXN2-related conditions. In summary, the available evidence is currently insufficient to determine the role of this variant in disease. Therefore, it has been classified as a Variant of Uncertain Significance.